The following is an entry in ClinVar:

NM_144997.7(FLCN):c.1451A>G (p.Asn484Ser)

Gene: FLCN (folliculin; minus strand). Cytogenetic location: 17p11.2.
Variant type: single nucleotide variant.
Coding change: c.1451A>G on transcript NM_144997.7 (MANE Select); coding-DNA position 1451, A replaced by G.
Protein change: p.Asn484Ser; replaces asparagine 484 with serine.
Molecular consequence: missense variant.
Genome position (GRCh38, 1-based): chr17:17,215,072, T>C on the plus strand (A>G on the coding strand, the complement: FLCN is on the minus strand). VCF-style: chr17-17215072-T-C. GRCh37 (hg19) VCF-style: chr17-17118386-T-C.
Other names: c.1451A>G (NM_144997.6, LRG_325t1); c.1505A>G, p.Asn502Ser (NM_001353229.2); c.1451A>G, p.Asn484Ser (NM_001353230.2, NM_001353231.2); short protein forms N484S, N502S.
Identifiers: ClinVar variation 529994 (VCV000529994.14), dbSNP rs1010980331, ClinGen allele CA288305215.
Genomic context (GRCh38, chr17:17,215,072, plus strand): 5'-AGGCACTGGTCCACCACATCCACAGACAGGTTCTGGTTGGTCAGAGCCGCTTCAATCTTA[T>C]TCAGGATGGTGGGGCCCACTGGGGAGAAGGGCAGGGGCAGAGCAAGGGCAGGCGTTAGCG-3'
Protein context (NP_659434.2, residues 474-494): AADRVGPTIL[Asn484Ser]KIEAALTNQN

ClinVar aggregate classification (germline): Conflicting classifications of pathogenicity. Review status: criteria provided, conflicting classifications (1 of 4 stars). 5 submissions from 5 submitters: Uncertain significance (3); Likely benign (2). Last evaluated 2026-01-11.

Conditions:
Hereditary cancer-predisposing syndrome. Also called: Hereditary neoplastic syndrome; Hereditary Cancer Syndrome; Neoplastic Syndromes, Hereditary; Tumor predisposition. Identifiers: Orphanet 140162, MedGen C0027672, MeSH D009386, MONDO:0015356.
FLCN-related disorder. Also called: FLCN-related condition.
Birt-Hogg-Dube syndrome. Also called: Birt Hogg Dubé syndrome. Identifiers: Orphanet 122, MedGen C0346010, MONDO:0800444.

Allele frequency attached by ClinVar (database versions not stated): gnomAD exomes below 0.00001; TOPMed 0.00001.
gnomAD v4.1: 2 of 1,614,066 alleles (0.00012%); highest among the groups gnomAD compares: Non-Finnish European, 0.000085%; no homozygotes.

Submissions (5):

Labcorp Genetics (formerly Invitae), Labcorp
Classification: Uncertain significance for Birt-Hogg-Dube syndrome. Last evaluated: 2026-01-11. Review status: criteria provided, single submitter. Criteria: Invitae Variant Classification Sherloc (09022015). Collection method: clinical testing. Allele origin: germline.
Comment: This sequence change replaces asparagine, which is neutral and polar, with serine, which is neutral and polar, at codon 484 of the FLCN protein (p.Asn484Ser). This variant is not present in population databases (gnomAD no frequency). This variant has not been reported in the literature in individuals affected with FLCN-related conditions. ClinVar contains an entry for this variant (Variation ID: 529994). Invitae Evidence Modeling of protein sequence and biophysical properties (such as structural, functional, and spatial information, amino acid conservation, physicochemical variation, residue mobility, and thermodynamic stability) indicates that this missense variant is not expected to disrupt FLCN protein function with a negative predictive value of 80%. RNA analysis performed to evaluate the impact of this missense change on mRNA splicing indicates it does not significantly alter splicing (internal data). In summary, the available evidence is currently insufficient to determine the role of this variant in disease. Therefore, it has been classified as a Variant of Uncertain Significance.

PreventionGenetics, part of Exact Sciences
Classification: Uncertain significance for FLCN-related condition. Last evaluated: 2025-09-18. Review status: criteria provided, single submitter. Criteria: ACMG Guidelines, 2015. Collection method: clinical testing. Allele origin: germline.
Comment: The FLCN c.1451A>G variant is predicted to result in the amino acid substitution p.Asn484Ser. To our knowledge, this variant has not been reported in the literature or in a large population database (gnomAD), indicating this variant is rare. This variant has conflicting interpretations in ClinVar, ranging from uncertain to likely benign (Variation ID: 529994). Although we suspect that this variant may be benign, at this time, the clinical significance of this variant is uncertain due to the absence of conclusive functional and genetic evidence.

GeneDx
Classification: Likely benign. Last evaluated: 2023-03-02. Review status: criteria provided, single submitter. Criteria: GeneDx Variant Classification Process June 2021. Collection method: clinical testing. Allele origin: germline. Affected: yes.
Comment: See Variant Classification Assertion Criteria.

Quest Diagnostics Nichols Institute San Juan Capistrano
Classification: Uncertain significance. Last evaluated: 2022-09-15. Review status: criteria provided, single submitter. Criteria: Quest Diagnostics criteria. Collection method: clinical testing. Allele origin: unknown.
Comment: The variant has not been reported in the published literature. It also has not been reported in large, multi-ethnic general populations. Analysis of this variant using bioinformatics tools for the prediction of the effect of amino acid changes on protein structure and function yielded predictions that this variant is benign. Based on the available information, we are unable to determine the clinical significance of this variant.

Ambry Genetics
Classification: Likely benign for Hereditary cancer-predisposing syndrome. Last evaluated: 2022-04-13. Review status: criteria provided, single submitter. Criteria: Ambry Variant Classification Scheme 2023. Collection method: clinical testing. Allele origin: germline.